The following is an entry in ClinVar:

NM_000368.5(TSC1):c.229A>G (p.Asn77Asp)

Gene: TSC1 (TSC complex subunit 1; minus strand). Cytogenetic location: 9q34.13.
Variant type: single nucleotide variant.
Coding change: c.229A>G on transcript NM_000368.5 (MANE Select); coding-DNA position 229, A replaced by G.
Protein change: p.Asn77Asp; replaces asparagine 77 with aspartic acid.
Molecular consequence: missense variant. On other transcripts: 5 prime UTR variant (1), intron variant (1).
Genome position (GRCh38, 1-based): chr9:132,925,721, T>C on the plus strand (A>G on the coding strand, the complement: TSC1 is on the minus strand). VCF-style: chr9-132925721-T-C. GRCh37 (hg19) VCF-style: chr9-135801108-T-C.
Other names: c.-135A>G (NM_001362177.2); c.210+1480A>G (NM_001162427.2); c.229A>G (NM_000368.4); c.229A>G, p.Asn77Asp (NM_001162426.2); short protein forms N77D.
Identifiers: ClinVar variation 1488190 (VCV001488190.11), dbSNP rs2132238313, ClinGen allele CA375374809.

ClinVar aggregate classification (germline): Uncertain significance. Review status: criteria provided, multiple submitters, no conflicts (2 of 4 stars). 2 submissions from 2 submitters: Uncertain significance (2). Last evaluated 2026-07-02.

Conditions:
Hereditary cancer-predisposing syndrome. Also called: Hereditary Cancer Syndrome; Tumor predisposition; Neoplastic Syndromes, Hereditary; Hereditary neoplastic syndrome. Identifiers: Orphanet 140162, MedGen C0027672, MeSH D009386, MONDO:0015356.
Tuberous sclerosis 1 (TSC1). Identifiers: Orphanet 805, MedGen C1854465, MONDO:0008612, OMIM 191100.

Allele frequency attached by ClinVar (database versions not stated): gnomAD exomes below 0.00001.
gnomAD v4.1: 1 of 1,614,190 alleles (0.000062%); highest among the groups gnomAD compares: Non-Finnish European, 0.000085%; no homozygotes.

Submissions (2):

Ambry Genetics
Classification: Uncertain significance for Hereditary cancer-predisposing syndrome. Last evaluated: 2026-07-02. Review status: criteria provided, single submitter. Criteria: Ambry Variant Classification Scheme 2023. Collection method: clinical testing. Allele origin: germline.
Comment: The p.N77D variant (also known as c.229A>G), located in coding exon 3 of the TSC1 gene, results from an A to G substitution at nucleotide position 229. The asparagine at codon 77 is replaced by aspartic acid, an amino acid with highly similar properties. This amino acid position is conserved. In addition, the in silico prediction for this alteration is inconclusive. Based on the available evidence, the clinical significance of this variant remains unclear.

Labcorp Genetics (formerly Invitae), Labcorp
Classification: Uncertain significance for Tuberous sclerosis 1. Last evaluated: 2022-04-02. Review status: criteria provided, single submitter. Criteria: Invitae Variant Classification Sherloc (09022015). Collection method: clinical testing. Allele origin: germline.
Comment: In summary, the available evidence is currently insufficient to determine the role of this variant in disease. Therefore, it has been classified as a Variant of Uncertain Significance. Algorithms developed to predict the effect of missense changes on protein structure and function are either unavailable or do not agree on the potential impact of this missense change (SIFT: "Tolerated"; PolyPhen-2: "Probably Damaging"; Align-GVGD: "Class C0"). This sequence change replaces asparagine, which is neutral and polar, with aspartic acid, which is acidic and polar, at codon 77 of the TSC1 protein (p.Asn77Asp). This variant is not present in population databases (gnomAD no frequency). This variant has not been reported in the literature in individuals affected with TSC1-related conditions.